The following is an entry in ClinVar:

ClinVar aggregate classification (germline): Uncertain significance (1 of 4 stars; one submission).

Conditions:
Pitt-Hopkins-like syndrome 2 (PTHSL2). Identifiers: Orphanet 221150, Orphanet 600663, MedGen C3280479, MONDO:0013690, OMIM 614325.

Submission:

Labcorp Genetics (formerly Invitae), Labcorp
Classification: Uncertain significance for Pitt-Hopkins-like syndrome 2. Last evaluated: 2023-12-11. Review status: criteria provided, single submitter. Criteria: Invitae Variant Classification Sherloc (09022015). Collection method: clinical testing. Allele origin: germline.
Comment: This sequence change replaces isoleucine, which is neutral and non-polar, with threonine, which is neutral and polar, at codon 505 of the NRXN1 protein (p.Ile505Thr). This variant is present in population databases (no rsID available, gnomAD 0.0009%). This variant has not been reported in the literature in individuals affected with NRXN1-related conditions. An algorithm developed to predict the effect of missense changes on protein structure and function (PolyPhen-2) suggests that this variant is likely to be disruptive. In summary, the available evidence is currently insufficient to determine the role of this variant in disease. Therefore, it has been classified as a Variant of Uncertain Significance.

NM_001330078.2(NRXN1):c.1394T>C (p.Ile465Thr)

Gene: NRXN1 (neurexin 1; minus strand). Cytogenetic location: 2p16.3.
Variant type: single nucleotide variant.
Coding change: c.1394T>C on transcript NM_001330078.2 (MANE Select); coding-DNA position 1394, T replaced by C.
Protein change: p.Ile465Thr; replaces isoleucine 465 with threonine.
Molecular consequence: missense variant.
Genome position (GRCh38, 1-based): chr2:50,552,952, A>G on the plus strand (T>C on the coding strand, the complement: NRXN1 is on the minus strand). VCF-style: chr2-50552952-A-G. GRCh37 (hg19) VCF-style: chr2-50780090-A-G.
Other names: c.1514T>C, p.Ile505Thr (NM_001135659.3); c.1370T>C, p.Ile457Thr (NM_001330077.2, NM_001330082.2, NM_001330095.2); c.1355T>C, p.Ile452Thr (NM_001330083.2, NM_001330084.2); c.1394T>C, p.Ile465Thr (NM_001330085.2, NM_001330086.2, NM_004801.6); c.1310T>C, p.Ile437Thr (NM_001330087.2, NM_001330096.2); c.1340T>C, p.Ile447Thr (NM_001330088.2); c.1391T>C, p.Ile464Thr (NM_001330093.2); c.1382T>C, p.Ile461Thr (NM_001330094.2); short protein forms I437T, I452T, I461T, I505T, I457T, I447T, I464T, I465T.
Identifiers: ClinVar variation 2963980 (VCV002963980.3), dbSNP rs1392989124, ClinGen allele CA346774295.